The following is an entry in ClinVar:

ClinVar aggregate classification (germline): Uncertain significance. Review status: criteria provided, multiple submitters, no conflicts (2 of 4 stars). 2 submissions from 2 submitters: Uncertain significance (2). Last evaluated 2022-11-25.

Allele frequency attached by ClinVar (database versions not stated): gnomAD exomes below 0.00001.

Submissions (2):

Women's Health and Genetics/Laboratory Corporation of America, LabCorp
Classification: Uncertain significance. Last evaluated: 2022-11-25. Review status: criteria provided, single submitter. Criteria: LabCorp Variant Classification Summary - May 2015. Collection method: clinical testing. Allele origin: germline.
Comment: Variant summary: LTBP4 c.4676delA (p.Asp1559ValfsX89) causes a frameshift which affects the last 28 amino acids of the protein coding sequence and results in an extension of the protein. No pathogenic/likely pathogenic variants located downstream of c.4676delA have been reported in LTBP4 in ClinVar. The variant was absent in 244028 control chromosomes (gnomAD). To our knowledge, no occurrence of c.4676delA in individuals affected with Cutis Laxa and no experimental evidence demonstrating its impact on protein function have been reported. No clinical diagnostic laboratories have submitted clinical-significance assessments for this variant to ClinVar after 2014. Based on the evidence outlined above, the variant was classified as uncertain significance.

Labcorp Genetics (formerly Invitae), Labcorp
Classification: Uncertain significance. Last evaluated: 2022-07-03. Review status: criteria provided, single submitter. Criteria: Invitae Variant Classification Sherloc (09022015). Collection method: clinical testing. Allele origin: germline.
Comment: This sequence change creates a premature translational stop signal (p.Asp1560Valfs*89) in the LTBP4 gene. While this is not anticipated to result in nonsense mediated decay, it is expected to disrupt the last 28 amino acid(s) of the LTBP4 protein. This variant is not present in population databases (gnomAD no frequency). This variant has not been reported in the literature in individuals affected with LTBP4-related conditions. Experimental studies and prediction algorithms are not available or were not evaluated, and the functional significance of this variant is currently unknown. In summary, the available evidence is currently insufficient to determine the role of this variant in disease. Therefore, it has been classified as a Variant of Uncertain Significance.

NM_001042545.2(LTBP4):c.4589del (p.Asp1530fs)

Gene: LTBP4 (latent transforming growth factor beta binding protein 4; plus strand). Cytogenetic location: 19q13.2.
Variant type: Deletion.
Coding change: c.4589del on transcript NM_001042545.2 (MANE Select); coding-DNA position 4589, one base deleted (A; older notation c.4589delA).
Protein change: p.Asp1530fs; shifts the reading frame from aspartic acid 1530.
Molecular consequence: frameshift variant.
Genome position (GRCh38, 1-based): chr19:40,629,465, A deleted. VCF-style (leftmost placement, unchanged base first): chr19-40629464-GA-G. GRCh37 (hg19) VCF-style: chr19-41135369-GA-G.
Other names: c.4790del, p.Asp1597fs (NM_001042544.1); c.4679del, p.Asp1560fs (NM_003573.2); c.4679delA (NM_003573.2); short protein forms D1530fs, D1560fs, D1597fs.
Identifiers: ClinVar variation 1804748 (VCV001804748.5), dbSNP rs2081661694, ClinGen allele CA2336072201.